The following is an entry in ClinVar:

ClinVar aggregate classification (germline): Uncertain significance (1 of 4 stars; one submission).

Allele frequency attached by ClinVar (database versions not stated): gnomAD exomes below 0.00001.
gnomAD v4.1: 1 of 1,614,060 alleles (0.000062%); highest among the groups gnomAD compares: Non-Finnish European, 0.000085%; no homozygotes.

Submission:

Ambry Genetics
Classification: Uncertain significance. Last evaluated: 2024-04-22. Review status: criteria provided, single submitter. Criteria: Ambry Variant Classification Scheme 2023. Collection method: clinical testing. Allele origin: germline.
Comment: The p.N191K variant (also known as c.573T>G), located in coding exon 1 of the MLH3 gene, results from a T to G substitution at nucleotide position 573. The asparagine at codon 191 is replaced by lysine, an amino acid with similar properties. This amino acid position is conserved. In addition, the in silico prediction for this alteration is inconclusive. Since supporting evidence is limited at this time, the clinical significance of this alteration remains unclear.

NM_001040108.2(MLH3):c.573T>G (p.Asn191Lys)

Gene: MLH3 (mutL homolog 3; minus strand). Cytogenetic location: 14q24.3.
Variant type: single nucleotide variant.
Coding change: c.573T>G on transcript NM_001040108.2 (MANE Select); coding-DNA position 573, T replaced by G.
Protein change: p.Asn191Lys; replaces asparagine 191 with lysine.
Molecular consequence: missense variant.
Genome position (GRCh38, 1-based): chr14:75,049,083, A>C on the plus strand (T>G on the coding strand, the complement: MLH3 is on the minus strand). VCF-style: chr14-75049083-A-C. GRCh37 (hg19) VCF-style: chr14-75515786-A-C.
Other names: c.573T>G, p.Asn191Lys (NM_014381.3); short protein forms N191K.
Identifiers: ClinVar variation 1749388 (VCV001749388.3), dbSNP rs2503323576, ClinGen allele CA390449861.